The following is an entry in ClinVar:

ClinVar aggregate classification (germline): Likely benign. Review status: criteria provided, multiple submitters, no conflicts (2 of 4 stars). 2 submissions from 2 submitters: Likely benign (2). Last evaluated 2026-06-17.

Conditions:
TBC1D23-related disorder. Also called: TBC1D23-related condition.

gnomAD v4.1: 695 of 1,611,604 alleles (0.043%); highest among the groups gnomAD compares: South Asian, 0.056%; no homozygotes.

Submissions (2):

PreventionGenetics, part of Exact Sciences
Classification: Likely benign for TBC1D23-related condition. Last evaluated: 2026-06-17. Review status: criteria provided, single submitter. Criteria: ACMG Guidelines, 2015. Collection method: clinical testing. Allele origin: germline.
Comment: This variant is classified as likely benign based on ACMG/AMP sequence variant interpretation guidelines (Richards et al. 2015 PMID: 25741868, with internal and published modifications).

Blueprint Genetics
Classification: Likely benign. Last evaluated: 2024-06-17. Review status: criteria provided, single submitter. Criteria: ACMG Guidelines, 2015. Collection method: clinical testing. Allele origin: germline.

NM_001199198.3(TBC1D23):c.1065A>G (p.Ser355=)

Gene: TBC1D23 (TBC1 domain family member 23; plus strand). Cytogenetic location: 3q12.1.
Variant type: single nucleotide variant.
Coding change: c.1065A>G on transcript NM_001199198.3 (MANE Select); coding-DNA position 1065, A replaced by G.
Protein change: p.Ser355=; no amino-acid change (serine 355 retained).
Molecular consequence: synonymous variant.
Genome position (GRCh38, 1-based): chr3:100,299,304, A>G. VCF-style: chr3-100299304-A-G. GRCh37 (hg19) VCF-style: chr3-100018148-A-G.
Other names: c.1065A>G, p.Ser355= (NM_018309.5); c.1065A>G (NM_018309.4).
Identifiers: ClinVar variation 4963453 (VCV004963453.2).